The following is an entry in ClinVar:

ClinVar aggregate classification (germline): Uncertain significance (1 of 4 stars; one submission).

Conditions:
Hereditary spastic paraplegia 48. Also called: SPASTIC PARAPLEGIA 48, AUTOSOMAL RECESSIVE; Spastic paraplegia 48. Identifiers: Orphanet 306511, MedGen C3150901, MONDO:0013342, OMIM 613647.

Allele frequency attached by ClinVar (database versions not stated): gnomAD exomes 0.00002 and 0.00003; gnomAD 0.00003; TOPMed 0.00003.
gnomAD v4.1: 42 of 1,597,538 alleles (0.0026%); highest among the groups gnomAD compares: Admixed American, 0.01%; no homozygotes.

Submission:

Labcorp Genetics (formerly Invitae), Labcorp
Classification: Uncertain significance for Hereditary spastic paraplegia 48. Last evaluated: 2021-09-01. Review status: criteria provided, single submitter. Criteria: Invitae Variant Classification Sherloc (09022015). Collection method: clinical testing. Allele origin: germline.
Comment: This sequence change replaces glutamic acid with lysine at codon 256 of the AP5Z1 protein (p.Glu256Lys). The glutamic acid residue is moderately conserved and there is a small physicochemical difference between glutamic acid and lysine. This variant is not present in population databases (ExAC no frequency). This variant has not been reported in the literature in individuals affected with AP5Z1-related conditions. Algorithms developed to predict the effect of missense changes on protein structure and function (SIFT, PolyPhen-2, Align-GVGD) all suggest that this variant is likely to be tolerated. In summary, the available evidence is currently insufficient to determine the role of this variant in disease. Therefore, it has been classified as a Variant of Uncertain Significance.

NM_014855.3(AP5Z1):c.766G>A (p.Glu256Lys)

Gene: AP5Z1 (adaptor related protein complex 5 subunit zeta 1; plus strand). Cytogenetic location: 7p22.1.
Variant type: single nucleotide variant.
Coding change: c.766G>A on transcript NM_014855.3 (MANE Select); coding-DNA position 766, G replaced by A.
Protein change: p.Glu256Lys; replaces glutamic acid 256 with lysine.
Molecular consequence: missense variant. On other transcripts: non-coding transcript variant (1).
Genome position (GRCh38, 1-based): chr7:4,784,347, G>A. VCF-style: chr7-4784347-G-A. GRCh37 (hg19) VCF-style: chr7-4823978-G-A.
Other names: c.298G>A, p.Glu100Lys (NM_001364858.1); c.766G>A, p.Glu256Lys (LRG_1247t1); short protein forms E256K, E100K.
Identifiers: ClinVar variation 538856 (VCV000538856.6), dbSNP rs1254332461, ClinGen allele CA366660476.